The following is an entry in ClinVar:

NM_022455.5(NSD1):c.2407C>T (p.Pro803Ser)

Gene: NSD1 (nuclear receptor binding SET domain protein 1; plus strand). Cytogenetic location: 5q35.3.
Variant type: single nucleotide variant.
Coding change: c.2407C>T on transcript NM_022455.5 (MANE Select); coding-DNA position 2407, C replaced by T.
Protein change: p.Pro803Ser; replaces proline 803 with serine.
Molecular consequence: missense variant.
Genome position (GRCh38, 1-based): chr5:177,210,806, C>T. VCF-style: chr5-177210806-C-T. GRCh37 (hg19) VCF-style: chr5-176637807-C-T.
Other names: c.1534C>T, p.Pro512Ser (NM_001365684.2, NM_001409306.1, NM_001409307.1 and 3 more transcripts); c.2407C>T, p.Pro803Ser (NM_001409301.1, NM_001409302.1, NM_001409303.1); c.1987C>T, p.Pro663Ser (NM_001409304.1); c.1654C>T, p.Pro552Ser (NM_001409305.1); short protein forms P552S, P803S, P512S, P534S, P663S.
Identifiers: ClinVar variation 1790812 (VCV001790812.2), dbSNP rs1763279085, ClinGen allele CA362317691.

ClinVar aggregate classification (germline): Uncertain significance (1 of 4 stars; one submission).

Conditions:
Inborn genetic diseases. Identifiers: MedGen C0950123, MeSH D030342.

Submission:

Ambry Genetics
Classification: Uncertain significance for Inborn genetic diseases. Last evaluated: 2017-06-27. Review status: criteria provided, single submitter. Criteria: Ambry Variant Classification Scheme 2023. Collection method: clinical testing. Allele origin: germline.
Comment: The p.P803S variant (also known as c.2407C>T), located in coding exon 4 of the NSD1 gene, results from a C to T substitution at nucleotide position 2407. The proline at codon 803 is replaced by serine, an amino acid with similar properties. This amino acid position is not well conserved in available vertebrate species, and serine is the reference amino acid in other vertebrate species. In addition, this alteration is predicted to be tolerated by in silico analysis. Since supporting evidence is limited at this time, the clinical significance of this alteration remains unclear.